The following is an entry in ClinVar:

ClinVar aggregate classification (germline): Uncertain significance. Review status: criteria provided, single submitter (1 of 4 stars). 2 submissions from 2 submitters: Uncertain significance (1). 1 of the submissions does not count toward it. Last evaluated 2019-10-31.

Conditions:
Mitochondrial complex I deficiency, nuclear type 5. Also called: Mitochondrial complex 1 deficiency, nuclear type 5. Identifiers: MedGen C4748754, MONDO:0032610, OMIM 618226.

Submissions (2):

Laboratorio de Genetica e Diagnostico Molecular, Hospital Israelita Albert Einstein
Classification: Uncertain significance. Last evaluated: 2019-10-31. Review status: criteria provided, single submitter. Criteria: ACMG Guidelines, 2015. Collection method: clinical testing. Allele origin: germline. Affected: yes.
Comment: ACMG classification criteria: PS4, PM2, PP3

OMIM
Classification: Pathogenic for MITOCHONDRIAL COMPLEX I DEFICIENCY, NUCLEAR TYPE 5. Last evaluated: 2005-04-01. Review status: no assertion criteria provided. Collection method: literature only. Allele origin: germline. Not counted in ClinVar's aggregate classification.

Literature cited by the submitters: PubMed 15824269 (cited by OMIM).

NM_005006.7(NDUFS1):c.691C>G (p.Leu231Val)

Gene: NDUFS1 (NADH:ubiquinone oxidoreductase core subunit S1; minus strand). Cytogenetic location: 2q33.3.
Variant type: single nucleotide variant.
Coding change: c.691C>G on transcript NM_005006.7 (MANE Select); coding-DNA position 691, C replaced by G.
Protein change: p.Leu231Val; replaces leucine 231 with valine.
Molecular consequence: missense variant.
Genome position (GRCh38, 1-based): chr2:206,146,949, G>C on the plus strand (C>G on the coding strand, the complement: NDUFS1 is on the minus strand). VCF-style: chr2-206146949-G-C. GRCh37 (hg19) VCF-style: chr2-207011673-G-C.
Other names: c.583C>G, p.Leu195Val (NM_001199981.2); c.358C>G, p.Leu120Val (NM_001199982.2); c.520C>G, p.Leu174Val (NM_001199983.2); c.733C>G, p.Leu245Val (NM_001199984.2); short protein forms L231V, L245V, L174V, L120V, L195V.
Identifiers: ClinVar variation 14233 (VCV000014233.3), dbSNP rs199422226, ClinGen allele CA123816.